The following is an entry in ClinVar:

ClinVar aggregate classification (germline): Conflicting classifications of pathogenicity. Review status: criteria provided, conflicting classifications (1 of 4 stars). 2 submissions from 2 submitters: Uncertain significance (1); Benign (1). Last evaluated 2018-01-13.

Conditions:
Mitochondrial DNA depletion syndrome 1. Also called: Mitochondrial neurogastrointestinal encephalomyopathy syndrome; POLIP SYNDROME; POLYNEUROPATHY, OPHTHALMOPLEGIA, LEUKOENCEPHALOPATHY, AND INTESTINAL PSEUDOOBSTRUCTION; Mitochondrial Neurogastrointestinal Encephalopathy Disease; MITOCHONDRIAL NEUROGASTROINTESTINAL ENCEPHALOPATHY SYNDROME, TYMP-RELATED; MNGIE, TYMP-RELATED. Identifiers: Orphanet 298, MedGen C4551995, MONDO:0011283, OMIM 603041.

Allele frequency attached by ClinVar (database versions not stated): ESP Exome Variant Server 0.00008; TOPMed 0.00006; 1000 Genomes Project 30x 0.00031; gnomAD 0.00012 and 0.00011; 1000 Genomes Project 0.00020.

Submissions (2):

Illumina Laboratory Services, Illumina
Classification: Uncertain significance for Mitochondrial DNA depletion syndrome 1. Last evaluated: 2018-01-13. Review status: criteria provided, single submitter. Criteria: ICSL Variant Classification Criteria 13 December 2019. Collection method: clinical testing. Allele origin: germline.

GeneDx
Classification: Benign. Last evaluated: 2014-04-21. Review status: criteria provided, single submitter. Criteria: GeneDx Variant Classification (06012015). Collection method: clinical testing. Allele origin: germline. Affected: yes.
Comment: This variant is considered likely benign or benign based on one or more of the following criteria: it is a conservative change, it occurs at a poorly conserved position in the protein, it is predicted to be benign by multiple in silico algorithms, and/or has population frequency not consistent with disease.

NM_001953.5(TYMP):c.*3C>T

Genes: SCO2 (synthesis of cytochrome C oxidase 2; minus strand), TYMP (thymidine phosphorylase; minus strand). Cytogenetic location: 22q13.33.
Variant type: single nucleotide variant.
Coding change: c.*3C>T on transcript NM_001953.5 (MANE Select); 3 bases downstream of the stop codon, C replaced by T.
Molecular consequence: 3 prime UTR variant. On other transcripts: intron variant (2).
Genome position (GRCh38, 1-based): chr22:50,525,767, G>A on the plus strand (C>T on the coding strand, the complement: TYMP is on the minus strand). VCF-style: chr22-50525767-G-A. GRCh37 (hg19) VCF-style: chr22-50964196-G-A.
Other names: c.*3C>T (NM_001113755.3, NM_001113756.3, NM_001257988.1 and 1 more transcripts); c.-14+479C>T (NM_001169109.2); c.-14+234C>T (NM_001169110.1).
Identifiers: ClinVar variation 137879 (VCV000137879.8), dbSNP rs372620403, ClinGen allele CA291601.